The following is an entry in ClinVar:

NM_000051.4(ATM):c.5461T>C (p.Cys1821Arg)

Gene: ATM (ATM serine/threonine kinase; plus strand). Cytogenetic location: 11q22.3.
Variant type: single nucleotide variant.
Coding change: c.5461T>C on transcript NM_000051.4 (MANE Select); coding-DNA position 5461, T replaced by C.
Protein change: p.Cys1821Arg; replaces cysteine 1821 with arginine.
Molecular consequence: missense variant.
Genome position (GRCh38, 1-based): chr11:108,302,994, T>C. VCF-style: chr11-108302994-T-C. GRCh37 (hg19) VCF-style: chr11-108173721-T-C.
Other names: c.5461T>C, p.Cys1821Arg (NM_001351834.2); short protein forms C1821R.
Identifiers: ClinVar variation 951675 (VCV000951675.15), dbSNP rs562930561, ClinGen allele CA6265703.

ClinVar aggregate classification (germline): Uncertain significance. Review status: criteria provided, multiple submitters, no conflicts (2 of 4 stars). 4 submissions from 4 submitters: Uncertain significance (4). Last evaluated 2025-05-25.

Conditions:
Hereditary cancer-predisposing syndrome. Also called: Hereditary neoplastic syndrome; Tumor predisposition; Neoplastic Syndromes, Hereditary; Hereditary Cancer Syndrome. Identifiers: Orphanet 140162, MedGen C0027672, MeSH D009386, MONDO:0015356.
Ataxia-telangiectasia syndrome (AT). Also called: LOUIS-BAR SYNDROME; Ataxia telangiectasia (A-T); Cerebello-oculocutaneous telangiectasia; Immunodeficiency with ataxia telangiectasia; ATAXIA-TELANGIECTASIA, COMPLEMENTATION GROUP A; ATAXIA-TELANGIECTASIA, FRESNO VARIANT. Identifiers: Orphanet 100, MedGen C0004135, MONDO:0008840, OMIM 208900.
Familial cancer of breast. Also called: Hereditary breast cancer; hereditary breast carcinoma; BREAST CANCER, FAMILIAL. Identifiers: Orphanet 227535, MedGen C0346153, MONDO:0016419, OMIM 114480. Disease mechanism: loss of function.

Allele frequency attached by ClinVar (database versions not stated): gnomAD exomes below 0.00001 and 0.00001; ExAC 0.00001; gnomAD 0.00001; 1000 Genomes Project 30x 0.00016; 1000 Genomes Project 0.00020.
gnomAD v4.1: 3 of 1,613,358 alleles (0.00019%); highest among the groups gnomAD compares: Middle Eastern, 0.017%; no homozygotes.

Submissions (4):

Ambry Genetics
Classification: Uncertain significance for Hereditary cancer-predisposing syndrome. Last evaluated: 2025-05-25. Review status: criteria provided, single submitter. Criteria: Ambry Variant Classification Scheme 2023. Collection method: clinical testing. Allele origin: germline.
Comment: The p.C1821R variant (also known as c.5461T>C), located in coding exon 35 of the ATM gene, results from a T to C substitution at nucleotide position 5461. The cysteine at codon 1821 is replaced by arginine, an amino acid with highly dissimilar properties. This amino acid position is poorly conserved in available vertebrate species. In addition, this alteration is predicted to be tolerated by in silico analysis. Since supporting evidence is limited at this time, the clinical significance of this alteration remains unclear.

Labcorp Genetics (formerly Invitae), Labcorp
Classification: Uncertain significance for Ataxia-telangiectasia syndrome. Last evaluated: 2024-02-02. Review status: criteria provided, single submitter. Criteria: Invitae Variant Classification Sherloc (09022015). Collection method: clinical testing. Allele origin: germline.
Comment: This sequence change replaces cysteine, which is neutral and slightly polar, with arginine, which is basic and polar, at codon 1821 of the ATM protein (p.Cys1821Arg). This variant is present in population databases (rs562930561, gnomAD 0.01%). This variant has not been reported in the literature in individuals affected with ATM-related conditions. ClinVar contains an entry for this variant (Variation ID: 951675). An algorithm developed to predict the effect of missense changes on protein structure and function (PolyPhen-2) suggests that this variant is likely to be tolerated. In summary, the available evidence is currently insufficient to determine the role of this variant in disease. Therefore, it has been classified as a Variant of Uncertain Significance.

Baylor Genetics
Classification: Uncertain significance for Familial cancer of breast. Last evaluated: 2023-11-30. Review status: criteria provided, single submitter. Criteria: ACMG Guidelines, 2015. Collection method: clinical testing. Allele origin: unknown.

GeneDx
Classification: Uncertain significance. Last evaluated: 2022-12-07. Review status: criteria provided, single submitter. Criteria: GeneDx Variant Classification Process June 2021. Collection method: clinical testing. Allele origin: germline. Affected: yes.
Comment: Not observed at significant frequency in large population cohorts (gnomAD); In silico analysis supports that this missense variant does not alter protein structure/function; Has not been previously published as pathogenic or benign to our knowledge